The following is an entry in ClinVar:

ClinVar aggregate classification (germline): Uncertain significance. Review status: criteria provided, multiple submitters, no conflicts (2 of 4 stars). 2 submissions from 2 submitters: Uncertain significance (2). Last evaluated 2026-06-29.

Conditions:
Costello syndrome (CSTLO). Also called: FCS SYNDROME; FACIOCUTANEOSKELETAL SYNDROME; HRAS-Related Costello Syndrome. Identifiers: Orphanet 3071, MedGen C0587248, MONDO:0009026, OMIM 218040.
Cardiovascular phenotype. Identifiers: MedGen CN230736.

Allele frequency attached by ClinVar (database versions not stated): gnomAD 0.00001.
gnomAD v4.1: 1 of 1,612,890 alleles (0.000062%); highest among the groups gnomAD compares: Non-Finnish European, 0.000085%; no homozygotes.

Submissions (2):

Ambry Genetics
Classification: Uncertain significance for Cardiovascular phenotype. Last evaluated: 2026-06-29. Review status: criteria provided, single submitter. Criteria: Ambry Variant Classification Scheme 2023. Collection method: clinical testing. Allele origin: germline.
Comment: The c.473C>G (p.T158R) alteration is located in exon 5 (coding exon 4) of the HRAS gene. This alteration results from a C to G substitution at nucleotide position 473, causing the threonine (T) at amino acid position 158 to be replaced by an arginine (R). Based on data from gnomAD, the G allele has an overall frequency of 0.003% (1/31382) total alleles studied. The highest observed frequency was 0.007% (1/15420) of European (non-Finnish) alleles. Based on insufficient or conflicting evidence, the clinical significance of this alteration remains unclear.

Labcorp Genetics (formerly Invitae), Labcorp
Classification: Uncertain significance for Costello syndrome. Last evaluated: 2025-08-20. Review status: criteria provided, single submitter. Criteria: Invitae Variant Classification Sherloc (09022015). Collection method: clinical testing. Allele origin: germline.
Comment: This sequence change replaces threonine, which is neutral and polar, with arginine, which is basic and polar, at codon 158 of the HRAS protein (p.Thr158Arg). This variant is present in population databases (no rsID available, gnomAD 0.0009%). This variant has not been reported in the literature in individuals affected with HRAS-related conditions. ClinVar contains an entry for this variant (Variation ID: 2146977). Invitae Evidence Modeling of protein sequence and biophysical properties (such as structural, functional, and spatial information, amino acid conservation, physicochemical variation, residue mobility, and thermodynamic stability) has been performed for this missense variant. However, the output from this modeling did not meet the statistical confidence thresholds required to predict the impact of this variant on HRAS protein function. In summary, the available evidence is currently insufficient to determine the role of this variant in disease. Therefore, it has been classified as a Variant of Uncertain Significance.

NM_005343.4(HRAS):c.473C>G (p.Thr158Arg)

Genes: HRAS (HRas proto-oncogene, GTPase; minus strand), LRRC56 (leucine rich repeat containing 56; plus strand). Cytogenetic location: 11p15.5.
Variant type: single nucleotide variant.
Coding change: c.473C>G on transcript NM_005343.4 (MANE Select); coding-DNA position 473, C replaced by G.
Protein change: p.Thr158Arg; replaces threonine 158 with arginine.
Molecular consequence: missense variant. On other transcripts: 3 prime UTR variant (1).
Genome position (GRCh38, 1-based): chr11:532,733, G>C on the plus strand (C>G on the coding strand, the complement: HRAS is on the minus strand). VCF-style: chr11-532733-G-C. GRCh37 (hg19) VCF-style: chr11-532733-G-C.
Other names: c.473C>G, p.Thr158Arg (NM_001130442.3); c.236C>G, p.Thr79Arg (NM_001318054.2); c.*42C>G (NM_176795.5); c.473C>G (NM_005343.2); short protein forms T158R, T79R.
Identifiers: ClinVar variation 2146977 (VCV002146977.5), dbSNP rs587778400, ClinGen allele CA378921185.
Genomic context (GRCh38, chr11:532,733, plus strand): 5'-CCACTCTCATCAGGAGGGTTCAGCTTCCGCAGCTTGTGCTGCCGGATCTCACGCACCAAC[G>C]TGTAGAAGGCATCCTCCACTCCCTGGGAAAGGAGGGATGGGATCAGGAGGGACCGGCCTG-3'
Protein context (NP_005334.1, residues 148-168): TRQGVEDAFY[Thr158Arg]LVREIRQHKL